The following is an entry in ClinVar:

NM_198576.4(AGRN):c.1384+2T>C

Gene: AGRN (agrin; plus strand). Cytogenetic location: 1p36.33.
Variant type: single nucleotide variant.
Coding change: c.1384+2T>C on transcript NM_198576.4 (MANE Select); the canonical splice donor site of the intron after coding-DNA position 1384, T replaced by C.
Molecular consequence: splice donor variant.
Genome position (GRCh38, 1-based): chr1:1,042,164, T>C. VCF-style: chr1-1042164-T-C. GRCh37 (hg19) VCF-style: chr1-977544-T-C.
Other names: c.1384+2T>C (NM_001305275.2); c.1069+2T>C (NM_001364727.2).
Identifiers: ClinVar variation 4719164 (VCV004719164.1).

ClinVar aggregate classification (germline): Likely pathogenic (1 of 4 stars; one submission).

Conditions:
Congenital myasthenic syndrome 8. Also called: MYASTHENIC SYNDROME, CONGENITAL, DUE TO AGRIN DEFICIENCY; Myasthenic syndrome, congenital, 8, with pre- and postsynaptic defects. Identifiers: Orphanet 590, MedGen C3808739, MONDO:0014052, OMIM 615120.

Submission:

Labcorp Genetics (formerly Invitae), Labcorp
Classification: Likely pathogenic for Congenital myasthenic syndrome 8. Last evaluated: 2025-07-31. Review status: criteria provided, single submitter. Criteria: Invitae Variant Classification Sherloc (09022015). Collection method: clinical testing. Allele origin: germline.
Comment: This sequence change affects a donor splice site in intron 7 of the AGRN gene. It is expected to disrupt RNA splicing. Variants that disrupt the donor or acceptor splice site typically lead to a loss of protein function (PMID: 16199547), and loss-of-function variants in AGRN are known to be pathogenic (PMID: 24951643, 31730230, 39807604). This variant is not present in population databases (gnomAD no frequency). This variant has not been reported in the literature in individuals affected with AGRN-related conditions. Algorithms developed to predict the effect of sequence changes on RNA splicing suggest that this variant may disrupt the consensus splice site. In summary, the currently available evidence indicates that the variant is pathogenic, but additional data are needed to prove that conclusively. Therefore, this variant has been classified as Likely Pathogenic.

Literature cited by the submitters: PubMed 16199547; PubMed 24951643; PubMed 31730230; PubMed 39807604.